The following is an entry in ClinVar:

NC_000016.9:g.(?_2096119)_(2115646_?)del

Genes: NTHL1 (nth like DNA glycosylase 1; minus strand), TSC2 (TSC complex subunit 2; plus strand). Cytogenetic location: 16p13.3.
Variant type: Deletion.
Identifiers: ClinVar variation 3243442 (VCV003243442.1).

ClinVar aggregate classification (germline): Pathogenic (1 of 4 stars; one submission).

Conditions:
Tuberous sclerosis 2 (TSC2). Identifiers: Orphanet 805, MedGen C1860707, MONDO:0013199, OMIM 613254.

Submission:

Labcorp Genetics (formerly Invitae), Labcorp
Classification: Pathogenic for Tuberous sclerosis 2. Last evaluated: 2023-08-17. Review status: criteria provided, single submitter. Criteria: Invitae Variant Classification Sherloc (09022015). Collection method: clinical testing. Allele origin: unknown.
Comment: For these reasons, this variant has been classified as Pathogenic. A similar copy number variant has been observed in individual(s) with clinical features of tuberous sclerosis (PMID: 29932062). In at least one individual the variant was observed to be de novo. This variant is a gross deletion of the genomic region encompassing exon(s) 1-16 of the TSC2 gene, which includes the initiator codon. This deletion extends beyond the assayed region for this gene and therefore may encompass additional genes. It is expected to result in an absent or disrupted protein product. Loss-of-function variants in TSC2 are known to be pathogenic (PMID: 10205261, 17304050).

Literature cited by the submitters: PubMed 29932062; PubMed 10205261; PubMed 17304050.